The following is an entry in ClinVar:

NM_199355.4(ADAMTS18):c.1813T>C (p.Cys605Arg)

Gene: ADAMTS18 (ADAM metallopeptidase with thrombospondin type 1 motif 18; minus strand). Cytogenetic location: 16q23.1.
Variant type: single nucleotide variant.
Coding change: c.1813T>C on transcript NM_199355.4 (MANE Select); coding-DNA position 1813, T replaced by C.
Protein change: p.Cys605Arg; replaces cysteine 605 with arginine.
Molecular consequence: missense variant.
Genome position (GRCh38, 1-based): chr16:77,335,802, A>G on the plus strand (T>C on the coding strand, the complement: ADAMTS18 is on the minus strand). VCF-style: chr16-77335802-A-G. GRCh37 (hg19) VCF-style: chr16-77369699-A-G.
Other names: c.1297T>C, p.Cys433Arg (NM_001326358.2); short protein forms C433R, C605R.
Identifiers: ClinVar variation 5018372 (VCV005018372.1).

ClinVar aggregate classification (germline): Uncertain significance (1 of 4 stars; one submission).

gnomAD v4.1: 2 of 1,614,194 alleles (0.00012%); highest among the groups gnomAD compares: South Asian, 0.0022%; no homozygotes.

Submission:

GeneDx
Classification: Uncertain significance. Last evaluated: 2026-04-10. Review status: criteria provided, single submitter. Criteria: GeneDx Variant Classification Process June 2021. Collection method: clinical testing. Allele origin: germline.
Comment: Not observed at significant frequency in large population cohorts (gnomAD); In silico analysis supports that this missense variant has a deleterious effect on protein structure/function; Has not been previously published as pathogenic or benign to our knowledge